The following is an entry in ClinVar:

ClinVar aggregate classification (germline): Benign/Likely benign. Review status: criteria provided, multiple submitters, no conflicts (2 of 4 stars). 4 submissions from 4 submitters: Benign (1); Likely benign (3). Last evaluated 2026-01-28.

Conditions:
Biotin-responsive basal ganglia disease (BTBGD). Also called: Thiamine metabolism dysfunction syndrome type 2; Thiamine Transporter-2 Deficiency; Thiamine metabolism dysfunction syndrome 2 (biotin- or thiamine-responsive encephalopathy type 2); thiamine-responsive encephalopathy; THIAMINE METABOLISM DYSFUNCTION SYNDROME 2 (BIOTIN- AND THIAMINE-RESPONSIVE TYPE). Identifiers: Orphanet 199348, Orphanet 65284, MedGen C1843807, MONDO:0011841, OMIM 607483.

Allele frequency attached by ClinVar (database versions not stated): gnomAD exomes 0.00011 and 0.00055; gnomAD 0.00014 and 0.00020; TOPMed 0.00033; ExAC 0.00047; 1000 Genomes Project 30x 0.00141; 1000 Genomes Project 0.00160.

Submissions (4):

Labcorp Genetics (formerly Invitae), Labcorp
Classification: Benign for Biotin-responsive basal ganglia disease. Last evaluated: 2026-01-28. Review status: criteria provided, single submitter. Criteria: Invitae Variant Classification Sherloc (09022015). Collection method: clinical testing. Allele origin: germline.

Blueprint Genetics
Classification: Likely benign. Last evaluated: 2024-09-09. Review status: criteria provided, single submitter. Criteria: ACMG Guidelines, 2015. Collection method: clinical testing. Allele origin: germline.

GeneDx
Classification: Likely benign. Last evaluated: 2023-10-27. Review status: criteria provided, single submitter. Criteria: GeneDx Variant Classification Process June 2021. Collection method: clinical testing. Allele origin: germline. Affected: yes.
Comment: See Variant Classification Assertion Criteria.

Illumina Laboratory Services, Illumina
Classification: Likely benign for Biotin-responsive basal ganglia disease. Last evaluated: 2018-01-13. Review status: criteria provided, single submitter. Criteria: ICSL Variant Classification Criteria 13 December 2019. Collection method: clinical testing. Allele origin: germline.
Comment: This variant was observed in the ICSL laboratory as part of a predisposition screen in an ostensibly healthy population. It had not been previously curated by ICSL or reported in the Human Gene Mutation Database (HGMD: prior to June 1st, 2018), and was therefore a candidate for classification through an automated scoring system. Utilizing variant allele frequency, disease prevalence and penetrance estimates, and inheritance mode, an automated score was calculated to assess if this variant is too frequent to cause the disease. Based on the score and internal cut-off values, a variant classified as likely benign is not then subjected to further curation. The score for this variant resulted in a classification of likely benign for this disease.

NM_025243.4(SLC19A3):c.99A>G (p.Pro33=)

Gene: SLC19A3 (solute carrier family 19 member 3; minus strand). Cytogenetic location: 2q36.3.
Variant type: single nucleotide variant.
Coding change: c.99A>G on transcript NM_025243.4 (MANE Select); coding-DNA position 99, A replaced by G.
Protein change: p.Pro33=; no amino-acid change (proline 33 retained).
Molecular consequence: synonymous variant.
Genome position (GRCh38, 1-based): chr2:227,702,220, T>C on the plus strand (A>G on the coding strand, the complement: SLC19A3 is on the minus strand). VCF-style: chr2-227702220-T-C. GRCh37 (hg19) VCF-style: chr2-228566936-T-C.
Identifiers: ClinVar variation 334883 (VCV000334883.19), dbSNP rs17853011, ClinGen allele CA2149411.